The following is an entry in ClinVar:

NM_000054.7(AVPR2):c.851G>A (p.Trp284Ter)

Gene: AVPR2 (arginine vasopressin receptor 2; plus strand). Cytogenetic location: Xq28.
Variant type: single nucleotide variant.
Coding change: c.851G>A on transcript NM_000054.7 (MANE Select); coding-DNA position 851, G replaced by A.
Protein change: p.Trp284Ter; replaces tryptophan 284 with a stop codon.
Molecular consequence: nonsense. On other transcripts: non-coding transcript variant (1).
Genome position (GRCh38, 1-based): chrX:153,906,357, G>A. VCF-style: chrX-153906357-G-A. GRCh37 (hg19) VCF-style: chrX-153171811-G-A.
Other names: c.851G>A (NM_000054.4); c.851G>A, p.Trp284Ter (NM_001146151.3); short protein forms W284*.
Identifiers: ClinVar variation 2737430 (VCV002737430.4), dbSNP rs2521159932, ClinGen allele CA415109691.

ClinVar aggregate classification (germline): Pathogenic. Review status: criteria provided, multiple submitters, no conflicts (2 of 4 stars). 2 submissions from 2 submitters: Pathogenic (2). Last evaluated 2026-03-13.

Conditions:
AVPR2-related disorder. Also called: AVPR2-related condition.

Submissions (2):

PreventionGenetics, part of Exact Sciences
Classification: Pathogenic for AVPR2-related condition. Last evaluated: 2026-03-13. Review status: criteria provided, single submitter. Criteria: ACMG Guidelines, 2015. Collection method: clinical testing. Allele origin: germline.
Comment: The AVPR2 c.851G>A variant is predicted to result in premature protein termination (p.Trp284*). This variant has been reported in individuals with nephrogenic diabetes insipidus (Bichet et al. 1994. PubMed ID: 8037205; Arthus et al. 2000. PubMed ID: 10820168). This variant has not been reported in a large population database (gnomAD), indicating this variant is rare. Nonsense variants in AVPR2 are expected to be pathogenic. This variant is interpreted as pathogenic.

Labcorp Genetics (formerly Invitae), Labcorp
Classification: Pathogenic. Last evaluated: 2023-07-21. Review status: criteria provided, single submitter. Criteria: Invitae Variant Classification Sherloc (09022015). Collection method: clinical testing. Allele origin: germline.
Comment: For these reasons, this variant has been classified as Pathogenic. This premature translational stop signal has been observed in individual(s) with diabetes insipidus (PMID: 8037205). This variant is not present in population databases (gnomAD no frequency). This sequence change creates a premature translational stop signal (p.Trp284*) in the AVPR2 gene. It is expected to result in an absent or disrupted protein product. Loss-of-function variants in AVPR2 are known to be pathogenic (PMID: 8037205, 10820168).

Literature cited by the submitters: PubMed 8037205 (cited by Labcorp Genetics (formerly Invitae), Labcorp); PubMed 10820168 (cited by Labcorp Genetics (formerly Invitae), Labcorp).